The following is an entry in ClinVar:

NM_033641.4(COL4A6):c.4667G>A (p.Ser1556Asn)

Gene: COL4A6 (collagen type IV alpha 6 chain; minus strand). Cytogenetic location: Xq22.3.
Variant type: single nucleotide variant.
Coding change: c.4667G>A on transcript NM_033641.4 (MANE Select); coding-DNA position 4667, G replaced by A.
Protein change: p.Ser1556Asn; replaces serine 1556 with asparagine.
Molecular consequence: missense variant.
Genome position (GRCh38, 1-based): chrX:108,159,607, C>T on the plus strand (G>A on the coding strand, the complement: COL4A6 is on the minus strand). VCF-style: chrX-108159607-C-T. GRCh37 (hg19) VCF-style: chrX-107402837-C-T.
Other names: c.4670G>A (NM_001847.2); c.4718G>A, p.Ser1573Asn (NM_001287758.2); c.4595G>A, p.Ser1532Asn (NM_001287759.2); c.4496G>A, p.Ser1499Asn (NM_001287760.2); c.4670G>A, p.Ser1557Asn (NM_001847.4); short protein forms S1499N, S1532N, S1556N, S1557N, S1573N.
Identifiers: ClinVar variation 1478119 (VCV001478119.9), dbSNP rs1220767535, ClinGen allele CA413849608.

ClinVar aggregate classification (germline): Uncertain significance. Review status: criteria provided, multiple submitters, no conflicts (2 of 4 stars). 2 submissions from 2 submitters: Uncertain significance (2). Last evaluated 2025-07-22.

Allele frequency attached by ClinVar (database versions not stated): TOPMed 0.00001; gnomAD exomes 0.00002 and 0.00003.
gnomAD v4.1: 7 of 1,212,243 alleles (0.00058%); highest among the groups gnomAD compares: Admixed American, 0.015%; no homozygotes.

Submissions (2):

Labcorp Genetics (formerly Invitae), Labcorp
Classification: Uncertain significance. Last evaluated: 2025-07-22. Review status: criteria provided, single submitter. Criteria: Invitae Variant Classification Sherloc (09022015). Collection method: clinical testing. Allele origin: germline.
Comment: This sequence change replaces serine, which is neutral and polar, with asparagine, which is neutral and polar, at codon 1557 of the COL4A6 protein (p.Ser1557Asn). This variant is present in population databases (no rsID available, gnomAD 0.02%). This variant has not been reported in the literature in individuals affected with COL4A6-related conditions. ClinVar contains an entry for this variant (Variation ID: 1478119). Invitae Evidence Modeling of protein sequence and biophysical properties (such as structural, functional, and spatial information, amino acid conservation, physicochemical variation, residue mobility, and thermodynamic stability) indicates that this missense variant is not expected to disrupt COL4A6 protein function with a negative predictive value of 80%. In summary, the available evidence is currently insufficient to determine the role of this variant in disease. Therefore, it has been classified as a Variant of Uncertain Significance.

Ambry Genetics
Classification: Uncertain significance. Last evaluated: 2024-03-21. Review status: criteria provided, single submitter. Criteria: Ambry Variant Classification Scheme 2023. Collection method: clinical testing. Allele origin: germline.